The following is an entry in ClinVar:

ClinVar aggregate classification (germline): Likely benign. Review status: criteria provided, multiple submitters, no conflicts (2 of 4 stars). 3 submissions from 3 submitters: Likely benign (2). 1 of the submissions does not count toward it. Last evaluated 2023-01-01.

Conditions:
BCORL1-related disorder. Also called: BCORL1-related condition.

Allele frequency attached by ClinVar (database versions not stated): 1000 Genomes Project 30x 0.00021; 1000 Genomes Project 0.00026; gnomAD exomes 0.00045 and 0.00050; TOPMed 0.00045; ESP Exome Variant Server 0.00047; ExAC 0.00051; gnomAD 0.00070.
gnomAD v4.1: 611 of 1,208,996 alleles (0.051%); highest among the groups gnomAD compares: Middle Eastern, 0.069%; 1 homozygote.

Submissions (3):

CeGaT Center for Human Genetics Tuebingen
Classification: Likely benign. Last evaluated: 2023-01-01. Review status: criteria provided, single submitter. Criteria: CeGaT Center For Human Genetics Tuebingen Variant Classification Criteria Version 2. Collection method: clinical testing. Allele origin: germline. Affected: yes. Observed: 3 variant alleles.
Comment: BCORL1: BP4, BP7, BS2

Labcorp Genetics (formerly Invitae), Labcorp
Classification: Likely benign. Last evaluated: 2018-05-04. Review status: criteria provided, single submitter. Criteria: Invitae Variant Classification Sherloc (09022015). Collection method: clinical testing. Allele origin: germline.

PreventionGenetics, part of Exact Sciences
Classification: Likely benign for BCORL1-related condition. Last evaluated: 2019-06-14. Review status: no assertion criteria provided. Collection method: clinical testing. Allele origin: germline. Not counted in ClinVar's aggregate classification.
Comment: This variant is classified as likely benign based on ACMG/AMP sequence variant interpretation guidelines (Richards et al. 2015 PMID: 25741868, with internal and published modifications).

NM_001379451.1(BCORL1):c.882G>A (p.Pro294=)

Gene: BCORL1 (BCL6 corepressor like 1; plus strand). Cytogenetic location: Xq26.1.
Variant type: single nucleotide variant.
Coding change: c.882G>A on transcript NM_001379451.1 (MANE Select); coding-DNA position 882, G replaced by A.
Protein change: p.Pro294=; no amino-acid change (proline 294 retained).
Molecular consequence: synonymous variant.
Genome position (GRCh38, 1-based): chrX:130,013,654, G>A. VCF-style: chrX-130013654-G-A. GRCh37 (hg19) VCF-style: chrX-129147630-G-A.
Other names: c.882G>A, p.Pro294= (NM_001184772.3, NM_001379450.1, NM_021946.5).
Identifiers: ClinVar variation 744064 (VCV000744064.28), dbSNP rs200510623, ClinGen allele CA10514188.
Genomic context (GRCh38, chrX:130,013,654, plus strand): 5'-CCTTTCTGTTTCGGCCTCAGTCTTGGTGCCTGTGCCAGCTTCTGCTCCCCCTTCAGGCCC[G>A]GTTCCCTTGTCGGCTCCAGCTCCTGCCCCGCTTTCAGTCCCAGTTTCAGCTCCTCCCTTG-3'
Protein context (NP_001366380.1, residues 284-304): PVPASAPPSG[Pro294=]VPLSAPAPAP